The following is an entry in ClinVar:

ClinVar aggregate classification (germline): Uncertain significance (1 of 4 stars; one submission).

Allele frequency attached by ClinVar (database versions not stated): TOPMed 0.00002; gnomAD 0.00003.
gnomAD v4.1: 61 of 1,566,928 alleles (0.0039%); highest among the groups gnomAD compares: Non-Finnish European, 0.0048%; no homozygotes.

Submission:

CeGaT Center for Human Genetics Tuebingen
Classification: Uncertain significance. Last evaluated: 2023-09-01. Review status: criteria provided, single submitter. Criteria: CeGaT Center For Human Genetics Tuebingen Variant Classification Criteria Version 2. Collection method: clinical testing. Allele origin: germline. Affected: yes. Observed: 1 variant allele.
Comment: AFG2B: PM2, PP3

NM_024063.3(AFG2B):c.310T>C (p.Cys104Arg)

Gene: AFG2B (AAA ATPase AFG2B; plus strand). Cytogenetic location: 15q21.1.
Variant type: single nucleotide variant.
Coding change: c.310T>C on transcript NM_024063.3 (MANE Select); coding-DNA position 310, T replaced by C.
Protein change: p.Cys104Arg; replaces cysteine 104 with arginine.
Molecular consequence: missense variant. On other transcripts: non-coding transcript variant (5).
Genome position (GRCh38, 1-based): chr15:45,402,739, T>C. VCF-style: chr15-45402739-T-C. GRCh37 (hg19) VCF-style: chr15-45694937-T-C.
Other names: c.310T>C, p.Cys104Arg (NM_001323640.2); short protein forms C104R.
Identifiers: ClinVar variation 2582932 (VCV002582932.25), dbSNP rs989269379, ClinGen allele CA270150316.